The following is an entry in ClinVar:

NM_005458.8(GABBR2):c.1378+6G>A

Gene: GABBR2 (gamma-aminobutyric acid type B receptor subunit 2; minus strand). Cytogenetic location: 9q22.33.
Variant type: single nucleotide variant.
Coding change: c.1378+6G>A on transcript NM_005458.8 (MANE Select); 6 bases into the intron after coding-DNA position 1378, G replaced by A.
Molecular consequence: intron variant.
Genome position (GRCh38, 1-based): chr9:98,394,169, C>T on the plus strand (G>A on the coding strand, the complement: GABBR2 is on the minus strand). VCF-style: chr9-98394169-C-T. GRCh37 (hg19) VCF-style: chr9-101156451-C-T.
Identifiers: ClinVar variation 2963214 (VCV002963214.3), dbSNP rs370219621, ClinGen allele CA2740095541.
Genomic context (GRCh38, chr9:98,394,169, plus strand): 5'-TAGACAATGTCCAGGCTTGGGAGCAACTGGGCAGGCCCCCTCCTCTGAGAAGCCCACCTG[C>T]CTTACCTTGGAACCTGATGGTGTCATTGATGATCTCCAGTGTGTCGGCCACAGCGTTGTA-3'

ClinVar aggregate classification (germline): Uncertain significance (1 of 4 stars; one submission).

Conditions:
Epileptic encephalopathy. Identifiers: MedGen C0543888, HP:0200134.

Submission:

Labcorp Genetics (formerly Invitae), Labcorp
Classification: Uncertain significance for Epileptic encephalopathy. Last evaluated: 2023-06-15. Review status: criteria provided, single submitter. Criteria: Invitae Variant Classification Sherloc (09022015). Collection method: clinical testing. Allele origin: germline.
Comment: In summary, the available evidence is currently insufficient to determine the role of this variant in disease. Therefore, it has been classified as a Variant of Uncertain Significance. Variants that disrupt the consensus splice site are a relatively common cause of aberrant splicing (PMID: 17576681, 9536098). Algorithms developed to predict the effect of sequence changes on RNA splicing suggest that this variant is not likely to affect RNA splicing. This variant has not been reported in the literature in individuals affected with GABBR2-related conditions. This variant is not present in population databases (gnomAD no frequency). This sequence change falls in intron 9 of the GABBR2 gene. It does not directly change the encoded amino acid sequence of the GABBR2 protein. It affects a nucleotide within the consensus splice site.

Literature cited by the submitters: PubMed 17576681; PubMed 9536098.